The following is an entry in ClinVar:

ClinVar aggregate classification (germline): Uncertain significance. Review status: criteria provided, multiple submitters, no conflicts (2 of 4 stars). 2 submissions from 2 submitters: Uncertain significance (2). Last evaluated 2024-11-04.

Conditions:
Developmental and epileptic encephalopathy, 11 (DEE11). Also called: Early infantile epileptic encephalopathy 11. Identifiers: Orphanet 1934, MedGen C3150987, MONDO:0013388, OMIM 613721.
Seizures, benign familial infantile, 3 (BFIS3). Also called: CONVULSIONS, BENIGN FAMILIAL INFANTILE, 3; Familial neonatal seizures. Identifiers: Orphanet 140927, Orphanet 306, MedGen C1843140, MONDO:0011904, OMIM 607745.

Allele frequency attached by ClinVar (database versions not stated): gnomAD exomes below 0.00001; gnomAD 0.00001.
gnomAD v4.1: 3 of 1,614,042 alleles (0.00019%); highest among the groups gnomAD compares: Non-Finnish European, 0.00025%; no homozygotes.

Submissions (2):

Labcorp Genetics (formerly Invitae), Labcorp
Classification: Uncertain significance for Seizures, benign familial infantile, 3; Developmental and epileptic encephalopathy, 11. Last evaluated: 2024-11-04. Review status: criteria provided, single submitter. Criteria: Invitae Variant Classification Sherloc (09022015). Collection method: clinical testing. Allele origin: germline.
Comment: This sequence change replaces isoleucine, which is neutral and non-polar, with threonine, which is neutral and polar, at codon 1186 of the SCN2A protein (p.Ile1186Thr). This variant is present in population databases (no rsID available, gnomAD 0.007%). This variant has not been reported in the literature in individuals affected with SCN2A-related conditions. ClinVar contains an entry for this variant (Variation ID: 2651489). Invitae Evidence Modeling of protein sequence and biophysical properties (such as structural, functional, and spatial information, amino acid conservation, physicochemical variation, residue mobility, and thermodynamic stability) indicates that this missense variant is not expected to disrupt SCN2A protein function with a negative predictive value of 95%. In summary, the available evidence is currently insufficient to determine the role of this variant in disease. Therefore, it has been classified as a Variant of Uncertain Significance.

CeGaT Center for Human Genetics Tuebingen
Classification: Uncertain significance. Last evaluated: 2022-09-01. Review status: criteria provided, single submitter. Criteria: CeGaT Center For Human Genetics Tuebingen Variant Classification Criteria Version 2. Collection method: clinical testing. Allele origin: germline. Affected: yes. Observed: 1 variant allele.
Comment: SCN2A: PM2

NM_001040142.2(SCN2A):c.3557T>C (p.Ile1186Thr)

Gene: SCN2A (sodium voltage-gated channel alpha subunit 2; plus strand). Cytogenetic location: 2q24.3.
Variant type: single nucleotide variant.
Coding change: c.3557T>C on transcript NM_001040142.2 (MANE Select); coding-DNA position 3557, T replaced by C.
Protein change: p.Ile1186Thr; replaces isoleucine 1186 with threonine.
Molecular consequence: missense variant.
Genome position (GRCh38, 1-based): chr2:165,367,253, T>C. VCF-style: chr2-165367253-T-C. GRCh37 (hg19) VCF-style: chr2-166223763-T-C.
Other names: c.3557T>C, p.Ile1186Thr (NM_001040143.2, NM_001371246.1, NM_001371247.1 and 1 more transcripts); short protein forms I1186T.
Identifiers: ClinVar variation 2651489 (VCV002651489.26), dbSNP rs1169752627, ClinGen allele CA349025867.